The following is an entry in ClinVar:

ClinVar aggregate classification (germline): Uncertain significance (1 of 4 stars; one submission).

Submission:

Quest Diagnostics Nichols Institute San Juan Capistrano
Classification: Uncertain significance. Last evaluated: 2025-08-13. Review status: criteria provided, single submitter. Criteria: Quest Diagnostics criteria. Collection method: clinical testing. Allele origin: unknown.
Comment: The CDKN2A c.151-4G>T variant has not been reported in individuals with CDKN2A-related conditions in the published literature. This variant also has not been reported in large, multi-ethnic general populations (Genome Aggregation Database). Analysis of this variant using software algorithms for the prediction of the effect of nucleotide changes on splicing yielded predictions that this variant does not affect CDKN2A mRNA splicing. Based on the available information, we are unable to determine the clinical significance of this variant.

NM_000077.5(CDKN2A):c.151-4G>T

Gene: CDKN2A (cyclin dependent kinase inhibitor 2A; minus strand). Cytogenetic location: 9p21.3.
Variant type: single nucleotide variant.
Coding change: c.151-4G>T on transcript NM_000077.5 (MANE Select); 4 bases into the intron before coding-DNA position 151, G replaced by T.
Molecular consequence: intron variant.
Genome position (GRCh38, 1-based): chr9:21,971,212, C>A on the plus strand (G>T on the coding strand, the complement: CDKN2A is on the minus strand). VCF-style: chr9-21971212-C-A. GRCh37 (hg19) VCF-style: chr9-21971211-C-A.
Other names: c.151-4G>T (NM_001195132.2); c.*74-4G>T (NM_058197.5); c.-3-4G>T (NM_001363763.2); c.194-4G>T (NM_058195.4).
Identifiers: ClinVar variation 4532852 (VCV004532852.1).